The following is an entry in ClinVar:

ClinVar aggregate classification (germline): Uncertain significance (1 of 4 stars; one submission).

Conditions:
Catecholaminergic polymorphic ventricular tachycardia (CVPT). Also called: Catecholamine-induced polymorphic ventricular tachycardia. Identifiers: Orphanet 3286, MedGen C5574922, MONDO:0017990.

Submission:

All of Us Research Program, National Institutes of Health
Classification: Uncertain significance for Catecholaminergic polymorphic ventricular tachycardia. Last evaluated: 2024-06-09. Review status: criteria provided, single submitter. Criteria: ACMG Guidelines, 2015. Collection method: clinical testing. Allele origin: germline. Inheritance: Autosomal dominant inheritance. Observed: 1 variant allele, 1 heterozygote.
Comment: This missense variant replaces proline with leucine at codon 816 of the RYR2 protein. Computational prediction suggests that this variant may not impact protein structure and function (internally defined REVEL score threshold <= 0.5, PMID: 27666373). To our knowledge, functional studies have not been reported for this variant. This variant has not been reported in individuals affected with RYR2-related disorders in the literature. This variant has not been identified in the general population by the Genome Aggregation Database (gnomAD). The available evidence is insufficient to determine the role of this variant in disease conclusively. Therefore, this variant is classified as a Variant of Uncertain Significance.

This study involves interpretation of variants in research participants for the purpose of population health screening. Participant phenotype was not available at the time of variant classification. Additional details can be found in publication PMID: 35346344, PMCID: PMC8962531

NM_001035.3(RYR2):c.2447C>T (p.Pro816Leu)

Gene: RYR2 (ryanodine receptor 2; plus strand). Cytogenetic location: 1q43.
Variant type: single nucleotide variant.
Coding change: c.2447C>T on transcript NM_001035.3 (MANE Select); coding-DNA position 2447, C replaced by T.
Protein change: p.Pro816Leu; replaces proline 816 with leucine.
Molecular consequence: missense variant.
Genome position (GRCh38, 1-based): chr1:237,503,339, C>T. VCF-style: chr1-237503339-C-T. GRCh37 (hg19) VCF-style: chr1-237666639-C-T.
Other names: short protein forms P816L.
Identifiers: ClinVar variation 3385688 (VCV003385688.1).